The following is an entry in ClinVar:

ClinVar aggregate classification (germline): Uncertain significance (1 of 4 stars; one submission).

Submission:

Labcorp Genetics (formerly Invitae), Labcorp
Classification: Uncertain significance. Last evaluated: 2023-05-27. Review status: criteria provided, single submitter. Criteria: Invitae Variant Classification Sherloc (09022015). Collection method: clinical testing. Allele origin: germline.
Comment: This variant has not been reported in the literature in individuals affected with TBXA2R-related conditions. In summary, the available evidence is currently insufficient to determine the role of this variant in disease. Therefore, it has been classified as a Variant of Uncertain Significance. Experimental studies and prediction algorithms are not available or were not evaluated, and the functional significance of this variant is currently unknown. This variant is not present in population databases (gnomAD no frequency). This sequence change creates a premature translational stop signal (p.Arg271*) in the TBXA2R gene. While this is not anticipated to result in nonsense mediated decay, it is expected to disrupt the last 73 amino acid(s) of the TBXA2R protein.

NM_001060.6(TBXA2R):c.811C>T (p.Arg271Ter)

Gene: TBXA2R (thromboxane A2 receptor; minus strand). Cytogenetic location: 19p13.3.
Variant type: single nucleotide variant.
Coding change: c.811C>T on transcript NM_001060.6 (MANE Select); coding-DNA position 811, C replaced by T.
Protein change: p.Arg271Ter; replaces arginine 271 with a stop codon.
Molecular consequence: nonsense.
Genome position (GRCh38, 1-based): chr19:3,595,909, G>A on the plus strand (C>T on the coding strand, the complement: TBXA2R is on the minus strand). VCF-style: chr19-3595909-G-A. GRCh37 (hg19) VCF-style: chr19-3595907-G-A.
Other names: c.811C>T, p.Arg271Ter (NM_201636.3); short protein forms R271*.
Identifiers: ClinVar variation 2787964 (VCV002787964.3), dbSNP rs745580434, ClinGen allele CA403331259.
Genomic context (GRCh38, chr19:3,595,909, plus strand): 5'-GCAGCTCCTTCTCCGTGGTGCGGGACAGCTGCCCGGCGGGGCTCATGGCAGGCGGGTTTC[G>A]CAGCACTGTCTGGGCGATGAAGACCTGCAAAGGGGAGAGCTGTCAGCCTGGGCCCCCGCC-3'